The following is an entry in ClinVar:

ClinVar aggregate classification (germline): Uncertain significance. Review status: criteria provided, multiple submitters, no conflicts (2 of 4 stars). 4 submissions from 3 submitters: Uncertain significance (4). Last evaluated 2024-09-23.

Conditions:
Familial cutaneous telangiectasia and oropharyngeal predisposition cancer syndrome. Identifiers: Orphanet 313846, MedGen C3281203, MONDO:0013806, OMIM 614564.
Seckel syndrome 1 (SCKL1). Also called: MICROCEPHALIC PRIMORDIAL DWARFISM I. Identifiers: Orphanet 808, MedGen C4551474, MONDO:0008869, OMIM 210600.
Inborn genetic diseases. Identifiers: MedGen C0950123, MeSH D030342.

Allele frequency attached by ClinVar (database versions not stated): gnomAD 0.00001; TOPMed 0.00001; ExAC 0.00002; gnomAD exomes 0.00002.
gnomAD v4.1: 30 of 1,613,596 alleles (0.0019%); highest among the groups gnomAD compares: Non-Finnish European, 0.0025%; no homozygotes.

Submissions (4):

Labcorp Genetics (formerly Invitae), Labcorp
Classification: Uncertain significance. Last evaluated: 2024-09-23. Review status: criteria provided, single submitter. Criteria: Invitae Variant Classification Sherloc (09022015). Collection method: clinical testing. Allele origin: germline.
Comment: This sequence change replaces lysine, which is basic and polar, with arginine, which is basic and polar, at codon 1005 of the ATR protein (p.Lys1005Arg). This variant is present in population databases (rs749139052, gnomAD 0.004%). This variant has not been reported in the literature in individuals affected with ATR-related conditions. ClinVar contains an entry for this variant (Variation ID: 1366722). An algorithm developed to predict the effect of missense changes on protein structure and function (PolyPhen-2) suggests that this variant is likely to be disruptive. In summary, the available evidence is currently insufficient to determine the role of this variant in disease. Therefore, it has been classified as a Variant of Uncertain Significance.

Ambry Genetics
Classification: Uncertain significance for Inborn genetic diseases. Last evaluated: 2024-09-04. Review status: criteria provided, single submitter. Criteria: Ambry Variant Classification Scheme 2023. Collection method: clinical testing. Allele origin: germline.

Genome-Nilou Lab
Classification: Uncertain significance for Seckel syndrome 1. Last evaluated: 2023-02-08. Review status: criteria provided, single submitter. Criteria: ACMG Guidelines, 2015. Collection method: clinical testing. Allele origin: germline.

Genome-Nilou Lab
Classification: Uncertain significance for Familial cutaneous telangiectasia and oropharyngeal predisposition cancer syndrome. Last evaluated: 2023-02-08. Review status: criteria provided, single submitter. Criteria: ACMG Guidelines, 2015. Collection method: clinical testing. Allele origin: germline.

NM_001184.4(ATR):c.3014A>G (p.Lys1005Arg)

Gene: ATR (ATR checkpoint kinase; minus strand). Cytogenetic location: 3q23.
Variant type: single nucleotide variant.
Coding change: c.3014A>G on transcript NM_001184.4 (MANE Select); coding-DNA position 3014, A replaced by G.
Protein change: p.Lys1005Arg; replaces lysine 1005 with arginine.
Molecular consequence: missense variant.
Genome position (GRCh38, 1-based): chr3:142,549,636, T>C on the plus strand (A>G on the coding strand, the complement: ATR is on the minus strand). VCF-style: chr3-142549636-T-C. GRCh37 (hg19) VCF-style: chr3-142268478-T-C.
Other names: c.2822A>G, p.Lys941Arg (NM_001354579.2); short protein forms K941R, K1005R.
Identifiers: ClinVar variation 1366722 (VCV001366722.8), dbSNP rs749139052, ClinGen allele CA2650216.
Genomic context (GRCh38, chr3:142,549,636, plus strand): 5'-CGATTGACATTTAATTGTTTTCCTAAAGTTCGAATGAGAGCAGAAGCTGCAGGGCTTGCT[T>C]TGGCAGCAAGATCAGGTAGTAGAACTTGTAATGTCCTCTGAAAAAGAATGCAACAATTAC-3'
Protein context (NP_001175.2, residues 995-1015): LQVLLPDLAA[Lys1005Arg]ASPAASALIR